The following is an entry in ClinVar:

NM_030923.5(TMEM163):c.43C>T (p.Pro15Ser)

Gene: TMEM163 (transmembrane protein 163; minus strand). Cytogenetic location: 2q21.3.
Variant type: single nucleotide variant.
Coding change: c.43C>T on transcript NM_030923.5 (MANE Select); coding-DNA position 43, C replaced by T.
Protein change: p.Pro15Ser; replaces proline 15 with serine.
Molecular consequence: missense variant.
Genome position (GRCh38, 1-based): chr2:134,718,893, G>A on the plus strand (C>T on the coding strand, the complement: TMEM163 is on the minus strand). VCF-style: chr2-134718893-G-A. GRCh37 (hg19) VCF-style: chr2-135476463-G-A.
Other names: short protein forms P15S.
Identifiers: ClinVar variation 4881913 (VCV004881913.2).

ClinVar aggregate classification (germline): Uncertain significance (1 of 4 stars; one submission).

gnomAD v4.1: 2 of 1,089,344 alleles (0.00018%); highest among the groups gnomAD compares: East Asian, 0.0059%; no homozygotes.

Submission:

Dasa
Classification: Uncertain significance. Last evaluated: 2026-01-08. Review status: criteria provided, single submitter. Criteria: DASA Assertion Criteria. Collection method: clinical testing. Allele origin: germline.
Comment: NM_030923.5(TMEM163):c.43C>T (p.Pro15Ser) is a missense variant that results in the substitution of proline with serine. This variant is rare in population databases. Computational prediction algorithms are consistent with a benign effect. The currently available literature and clinical evidence are not sufficient to establish a definitive association between this variant and the reported condition. Therefore, this variant is classified as a variant of uncertain significance.